The following is an entry in ClinVar:

NM_004444.5(EPHB4):c.868G>T (p.Ala290Ser)

Gene: EPHB4 (EPH receptor B4; minus strand). Cytogenetic location: 7q22.1.
Variant type: single nucleotide variant.
Coding change: c.868G>T on transcript NM_004444.5 (MANE Select); coding-DNA position 868, G replaced by T.
Protein change: p.Ala290Ser; replaces alanine 290 with serine.
Molecular consequence: missense variant.
Genome position (GRCh38, 1-based): chr7:100,820,237, C>A on the plus strand (G>T on the coding strand, the complement: EPHB4 is on the minus strand). VCF-style: chr7-100820237-C-A. GRCh37 (hg19) VCF-style: chr7-100417859-C-A.
Other names: short protein forms A290S.
Identifiers: ClinVar variation 2565150 (VCV002565150.2), dbSNP rs2485038013, ClinGen allele CA368577978.

ClinVar aggregate classification (germline): Uncertain significance (1 of 4 stars; one submission).

Conditions:
Cardiovascular phenotype. Identifiers: MedGen CN230736.

Submission:

Ambry Genetics
Classification: Uncertain significance for Cardiovascular phenotype. Last evaluated: 2023-05-03. Review status: criteria provided, single submitter. Criteria: Ambry Variant Classification Scheme 2023. Collection method: clinical testing. Allele origin: germline.
Comment: The p.A290S variant (also known as c.868G>T), located in coding exon 5 of the EPHB4 gene, results from a G to T substitution at nucleotide position 868. The alanine at codon 290 is replaced by serine, an amino acid with similar properties. This amino acid position is conserved. In addition, this alteration is predicted to be tolerated by in silico analysis. Since supporting evidence is limited at this time, the clinical significance of this alteration remains unclear.